The following is an entry in ClinVar:

ClinVar aggregate classification (germline): Uncertain significance. Review status: criteria provided, multiple submitters, no conflicts (2 of 4 stars). 3 submissions from 3 submitters: Uncertain significance (3). Last evaluated 2025-01-15.

Conditions:
Frasier syndrome. Identifiers: Orphanet 347, MedGen C0950122, MeSH D052159, MONDO:0007635, OMIM 136680.
Drash syndrome (DDS). Also called: NEPHROPATHY, WILMS TUMOR, AND GENITAL ANOMALIES; WILMS TUMOR AND PSEUDO- OR TRUE HERMAPHRODITISM. Identifiers: Orphanet 220, MedGen C0950121, MONDO:0008682, OMIM 194080.
Wilms tumor 1 (WT1). Also called: Wilms tumor, somatic. Identifiers: Orphanet 654, MedGen CN033288, MONDO:0008679, OMIM 194070.
11p partial monosomy syndrome (WAGR). Also called: WAGR Spectrum Disorder; WAGR Complex; WAGR syndrome; CHROMOSOME 11p13 DELETION SYNDROME. Identifiers: Orphanet 893, MedGen C0206115, MONDO:0008681, OMIM 194072.
Inborn genetic diseases. Identifiers: MedGen C0950123, MeSH D030342.

Allele frequency attached by ClinVar (database versions not stated): gnomAD 0.00001; TOPMed 0.00001.
gnomAD v4.1: 2 of 1,518,450 alleles (0.00013%); highest among the groups gnomAD compares: African/African-American, 0.0028%; no homozygotes.

Submissions (3):

Ambry Genetics
Classification: Uncertain significance for Inborn genetic diseases. Last evaluated: 2025-01-15. Review status: criteria provided, single submitter. Criteria: Ambry Variant Classification Scheme 2023. Collection method: clinical testing. Allele origin: germline.
Comment: The p.P122R variant (also known as c.365C>G), located in coding exon 1 of the WT1 gene, results from a C to G substitution at nucleotide position 365. The proline at codon 122 is replaced by arginine, an amino acid with dissimilar properties. This amino acid position is conserved. In addition, this alteration is predicted to be tolerated by in silico analysis. Based on the available evidence, the clinical significance of this variant remains unclear.

Labcorp Genetics (formerly Invitae), Labcorp
Classification: Uncertain significance for Wilms tumor 1; Drash syndrome; 11p partial monosomy syndrome; Frasier syndrome. Last evaluated: 2023-10-13. Review status: criteria provided, single submitter. Criteria: Invitae Variant Classification Sherloc (09022015). Collection method: clinical testing. Allele origin: germline.
Comment: This sequence change replaces proline, which is neutral and non-polar, with arginine, which is basic and polar, at codon 122 of the WT1 protein (p.Pro122Arg). This variant is not present in population databases (gnomAD no frequency). This variant has not been reported in the literature in individuals affected with WT1-related conditions. ClinVar contains an entry for this variant (Variation ID: 658496). An algorithm developed to predict the effect of missense changes on protein structure and function (PolyPhen-2) suggests that this variant is likely to be disruptive. In summary, the available evidence is currently insufficient to determine the role of this variant in disease. Therefore, it has been classified as a Variant of Uncertain Significance.

All of Us Research Program, National Institutes of Health
Classification: Uncertain significance for Wilms tumor 1. Last evaluated: 2023-05-31. Review status: criteria provided, single submitter. Criteria: ACMG Guidelines, 2015. Collection method: clinical testing. Allele origin: germline. Inheritance: Autosomal dominant inheritance. Observed: 1 variant allele, 1 heterozygote.
Comment: This study involves interpretation of variants in research participants for the purpose of population health screening. Participant phenotype was not available at the time of variant classification. Additional details can be found in publication PMID: 35346344, PMCID: PMC8962531

NM_024426.6(WT1):c.380C>G (p.Pro127Arg)

Genes: WT1 (WT1 transcription factor; minus strand), LOC107982234 (WT1/WT1-AS bi-directional promoter region; plus strand). Cytogenetic location: 11p13.
Variant type: single nucleotide variant.
Coding change: c.380C>G on transcript NM_024426.6 (MANE Select); coding-DNA position 380, C replaced by G.
Protein change: p.Pro127Arg; replaces proline 127 with arginine.
Molecular consequence: missense variant. On other transcripts: non-coding transcript variant (1).
Genome position (GRCh38, 1-based): chr11:32,434,981, G>C on the plus strand (C>G on the coding strand, the complement: WT1 is on the minus strand). VCF-style: chr11-32434981-G-C. GRCh37 (hg19) VCF-style: chr11-32456527-G-C.
Other names: c.380C>G, p.Pro127Arg (NM_000378.6, NM_024424.5); short protein forms P127R.
Identifiers: ClinVar variation 658496 (VCV000658496.13), dbSNP rs1387576357, ClinGen allele CA379965811.